The following is an entry in ClinVar:

NM_015512.5(DNAH1):c.10705C>T (p.Arg3569Trp)

Gene: DNAH1 (dynein axonemal heavy chain 1; plus strand). Cytogenetic location: 3p21.1.
Variant type: single nucleotide variant.
Coding change: c.10705C>T on transcript NM_015512.5 (MANE Select); coding-DNA position 10705, C replaced by T.
Protein change: p.Arg3569Trp; replaces arginine 3569 with tryptophan.
Molecular consequence: missense variant.
Genome position (GRCh38, 1-based): chr3:52,394,543, C>T. VCF-style: chr3-52394543-C-T. GRCh37 (hg19) VCF-style: chr3-52428559-C-T.
Other names: short protein forms R3569W.
Identifiers: ClinVar variation 3083376 (VCV003083376.3), dbSNP rs774676554, ClinGen allele CA2435930.

ClinVar aggregate classification (germline): Uncertain significance. Review status: criteria provided, multiple submitters, no conflicts (2 of 4 stars). 2 submissions from 2 submitters: Uncertain significance (2). Last evaluated 2025-03-12.

Conditions:
Spermatogenic failure 18. Identifiers: MedGen C4539783, MONDO:0054615, OMIM 617576.
Ciliary dyskinesia, primary, 37 (CILD37). Also called: CILIARY DYSKINESIA, PRIMARY, 37, WITH OR WITHOUT SITUS INVERSUS. Identifiers: MedGen C4539798, MONDO:0033204, OMIM 617577.

Allele frequency attached by ClinVar (database versions not stated): TOPMed 0.00003; gnomAD 0.00002.
gnomAD v4.1: 61 of 1,613,850 alleles (0.0038%); highest among the groups gnomAD compares: East Asian, 0.022%; no homozygotes.

Submissions (2):

Labcorp Genetics (formerly Invitae), Labcorp
Classification: Uncertain significance for Ciliary dyskinesia, primary, 37; Spermatogenic failure 18. Last evaluated: 2025-03-12. Review status: criteria provided, single submitter. Criteria: Invitae Variant Classification Sherloc (09022015). Collection method: clinical testing. Allele origin: germline.
Comment: This sequence change replaces arginine, which is basic and polar, with tryptophan, which is neutral and slightly polar, at codon 3569 of the DNAH1 protein (p.Arg3569Trp). This variant is present in population databases (rs774676554, gnomAD 0.03%). This variant has not been reported in the literature in individuals affected with DNAH1-related conditions. ClinVar contains an entry for this variant (Variation ID: 3083376). Invitae Evidence Modeling of protein sequence and biophysical properties (such as structural, functional, and spatial information, amino acid conservation, physicochemical variation, residue mobility, and thermodynamic stability) indicates that this missense variant is not expected to disrupt DNAH1 protein function with a negative predictive value of 80%. In summary, the available evidence is currently insufficient to determine the role of this variant in disease. Therefore, it has been classified as a Variant of Uncertain Significance.

Ambry Genetics
Classification: Uncertain significance. Last evaluated: 2024-01-30. Review status: criteria provided, single submitter. Criteria: Ambry Variant Classification Scheme 2023. Collection method: clinical testing. Allele origin: germline.